The following is an entry in ClinVar:

NM_001271.4(CHD2):c.4826C>T (p.Pro1609Leu)

Gene: CHD2 (chromodomain helicase DNA binding protein 2; plus strand). Cytogenetic location: 15q26.1.
Variant type: single nucleotide variant.
Coding change: c.4826C>T on transcript NM_001271.4 (MANE Select); coding-DNA position 4826, C replaced by T.
Protein change: p.Pro1609Leu; replaces proline 1609 with leucine.
Molecular consequence: missense variant.
Genome position (GRCh38, 1-based): chr15:93,014,829, C>T. VCF-style: chr15-93014829-C-T. GRCh37 (hg19) VCF-style: chr15-93558059-C-T.
Other names: short protein forms P1609L.
Identifiers: ClinVar variation 426802 (VCV000426802.7), dbSNP rs745396398, ClinGen allele CA7748567.
Genomic context (GRCh38, chr15:93,014,829, plus strand): 5'-ACTCTCTGATATCTCAGTCCCATACCTCACACAACCTTCACCCTCAGAAGCCTCATTTGC[C>T]TGCCTCCCATGGCCCACAGATGCATGGACACCCAAGAGATAACTACAATCACCCCAACAA-3'
Protein context (NP_001262.3, residues 1599-1619): HNLHPQKPHL[Pro1609Leu]ASHGPQMHGH

ClinVar aggregate classification (germline): Conflicting classifications of pathogenicity. Review status: criteria provided, conflicting classifications (1 of 4 stars). 2 submissions from 2 submitters: Uncertain significance (1); Likely benign (1). Last evaluated 2024-02-23.

Conditions:
Developmental and epileptic encephalopathy 94 (DEE94). Also called: Epileptic encephalopathy, childhood-onset; CHD2-Related Neurodevelopmental Disorders. Identifiers: Orphanet 1942, Orphanet 2382, MedGen C3809278, MONDO:0014150, OMIM 615369.

Allele frequency attached by ClinVar (database versions not stated): gnomAD exomes below 0.00001; TOPMed below 0.00001; ExAC 0.00001; gnomAD 0.00001.

Submissions (2):

Labcorp Genetics (formerly Invitae), Labcorp
Classification: Uncertain significance for Developmental and epileptic encephalopathy 94. Last evaluated: 2024-02-23. Review status: criteria provided, single submitter. Criteria: Invitae Variant Classification Sherloc (09022015). Collection method: clinical testing. Allele origin: germline.
Comment: This sequence change replaces proline, which is neutral and non-polar, with leucine, which is neutral and non-polar, at codon 1609 of the CHD2 protein (p.Pro1609Leu). This variant is present in population databases (rs745396398, gnomAD 0.007%). This variant has not been reported in the literature in individuals affected with CHD2-related conditions. ClinVar contains an entry for this variant (Variation ID: 426802). Advanced modeling of protein sequence and biophysical properties (such as structural, functional, and spatial information, amino acid conservation, physicochemical variation, residue mobility, and thermodynamic stability) performed at Invitae indicates that this missense variant is not expected to disrupt CHD2 protein function with a negative predictive value of 95%. In summary, the available evidence is currently insufficient to determine the role of this variant in disease. Therefore, it has been classified as a Variant of Uncertain Significance.

GeneDx
Classification: Likely benign. Last evaluated: 2018-01-26. Review status: criteria provided, single submitter. Criteria: GeneDx Variant Classification (06012015). Collection method: clinical testing. Allele origin: germline. Affected: yes.
Comment: This variant is considered likely benign or benign based on one or more of the following criteria: it is a conservative change, it occurs at a poorly conserved position in the protein, it is predicted to be benign by multiple in silico algorithms, and/or has population frequency not consistent with disease.